The following is an entry in ClinVar:

NM_000395.3(CSF2RB):c.405G>T (p.Glu135Asp)

Gene: CSF2RB (colony stimulating factor 2 receptor subunit beta; plus strand). Cytogenetic location: 22q12.3.
Variant type: single nucleotide variant.
Coding change: c.405G>T on transcript NM_000395.3 (MANE Select); coding-DNA position 405, G replaced by T.
Protein change: p.Glu135Asp; replaces glutamic acid 135 with aspartic acid.
Molecular consequence: missense variant.
Genome position (GRCh38, 1-based): chr22:36,929,415, G>T. VCF-style: chr22-36929415-G-T. GRCh37 (hg19) VCF-style: chr22-37325457-G-T.
Other names: c.405G>T (NM_000395.2); short protein forms E135D.
Identifiers: ClinVar variation 1393167 (VCV001393167.7), dbSNP rs771979424, ClinGen allele CA10213479.
Genomic context (GRCh38, chr22:36,929,415, plus strand): 5'-CCCCCAGCGGTCCAGCCCTTAGGTGCCCTTCACTTCCTCCCCTCCAGTCCAGCCTCCTGA[G>T]CCCAGGGACCTGCAGATCAGCACCGACCAGGACCACTTCCTGCTGACCTGGAGTGTGGCC-3'
Protein context (NP_000386.1, residues 125-145): VTLTQHVQPP[Glu135Asp]PRDLQISTDQ

ClinVar aggregate classification (germline): Uncertain significance. Review status: criteria provided, multiple submitters, no conflicts (2 of 4 stars). 2 submissions from 2 submitters: Uncertain significance (2). Last evaluated 2025-11-03.

Conditions:
Inborn genetic diseases. Identifiers: MedGen C0950123, MeSH D030342.

Allele frequency attached by ClinVar (database versions not stated): gnomAD exomes below 0.00001 and 0.00001; ExAC 0.00002.
gnomAD v4.1: 7 of 1,614,162 alleles (0.00043%); highest among the groups gnomAD compares: Non-Finnish European, 0.00059%; no homozygotes.

Submissions (2):

Labcorp Genetics (formerly Invitae), Labcorp
Classification: Uncertain significance. Last evaluated: 2025-11-03. Review status: criteria provided, single submitter. Criteria: Invitae Variant Classification Sherloc (09022015). Collection method: clinical testing. Allele origin: germline.
Comment: This sequence change replaces glutamic acid, which is acidic and polar, with aspartic acid, which is acidic and polar, at codon 135 of the CSF2RB protein (p.Glu135Asp). This variant is present in population databases (rs771979424, gnomAD 0.002%). This variant has not been reported in the literature in individuals affected with CSF2RB-related conditions. ClinVar contains an entry for this variant (Variation ID: 1393167). Invitae Evidence Modeling of protein sequence and biophysical properties (such as structural, functional, and spatial information, amino acid conservation, physicochemical variation, residue mobility, and thermodynamic stability) indicates that this missense variant is not expected to disrupt CSF2RB protein function with a negative predictive value of 80%. In summary, the available evidence is currently insufficient to determine the role of this variant in disease. Therefore, it has been classified as a Variant of Uncertain Significance.

Ambry Genetics
Classification: Uncertain significance for Inborn genetic diseases. Last evaluated: 2025-04-29. Review status: criteria provided, single submitter. Criteria: Ambry Variant Classification Scheme 2023. Collection method: clinical testing. Allele origin: germline.